The following is an entry in ClinVar:

NM_002202.3(ISL1):c.146A>G (p.Asn49Ser)

Gene: ISL1 (ISL LIM homeobox 1; plus strand). Cytogenetic location: 5q11.1.
Variant type: single nucleotide variant.
Coding change: c.146A>G on transcript NM_002202.3 (MANE Select); coding-DNA position 146, A replaced by G.
Protein change: p.Asn49Ser; replaces asparagine 49 with serine.
Molecular consequence: missense variant.
Genome position (GRCh38, 1-based): chr5:51,384,658, A>G. VCF-style: chr5-51384658-A-G. GRCh37 (hg19) VCF-style: chr5-50680492-A-G.
Other names: short protein forms N49S.
Identifiers: ClinVar variation 4990255 (VCV004990255.1).
Genomic context (GRCh38, chr5:51,384,658, plus strand): 5'-TTCTGAGGGTTTCTCCGGATTTGGAATGGCATGCGGCATGTTTGAAATGTGCGGAGTGTA[A>G]TCAGTATTTGGACGAGAGCTGTACATGCTTTGTTAGGGATGGGAAAACCTACTGTAAAAG-3'
Protein context (NP_002193.2, residues 39-59): HAACLKCAEC[Asn49Ser]QYLDESCTCF

ClinVar aggregate classification (germline): Uncertain significance (1 of 4 stars; one submission).

Conditions:
ISL1-related disorder. Also called: ISL1-related condition.

gnomAD v4.1: 1 of 1,614,124 alleles (0.000062%); highest among the groups gnomAD compares: Non-Finnish European, 0.000085%; no homozygotes.

Submission:

PreventionGenetics, part of Exact Sciences
Classification: Uncertain significance for ISL1-related condition. Last evaluated: 2025-08-14. Review status: criteria provided, single submitter. Criteria: ACMG Guidelines, 2015. Collection method: clinical testing. Allele origin: germline.
Comment: The ISL1 c.146A>G variant is predicted to result in the amino acid substitution p.Asn49Ser. To our knowledge, this variant has not been reported in the literature or in a large population database (gnomAD), indicating this variant is rare. At this time, the clinical significance of this variant is uncertain due to the absence of conclusive functional and genetic evidence.